The following is an entry in ClinVar:

ClinVar aggregate classification (germline): Uncertain significance (1 of 4 stars; one submission).

Conditions:
Inborn genetic diseases. Identifiers: MedGen C0950123, MeSH D030342.

Submission:

Ambry Genetics
Classification: Uncertain significance for Inborn genetic diseases. Last evaluated: 2025-08-02. Review status: criteria provided, single submitter. Criteria: Ambry Variant Classification Scheme 2023. Collection method: clinical testing. Allele origin: germline.
Comment: The p.R342G variant (also known as c.1024A>G), located in coding exon 5 of the FANCM gene, results from an A to G substitution at nucleotide position 1024. The arginine at codon 342 is replaced by glycine, an amino acid with dissimilar properties. This amino acid position is conserved. In addition, the in silico prediction for this alteration is inconclusive. Based on the available evidence, the clinical significance of this variant remains unclear.

NM_020937.4(FANCM):c.1024A>G (p.Arg342Gly)

Gene: FANCM (FA complementation group M; plus strand). Cytogenetic location: 14q21.2.
Variant type: single nucleotide variant.
Coding change: c.1024A>G on transcript NM_020937.4 (MANE Select); coding-DNA position 1024, A replaced by G.
Protein change: p.Arg342Gly; replaces arginine 342 with glycine.
Molecular consequence: missense variant.
Genome position (GRCh38, 1-based): chr14:45,151,502, A>G. VCF-style: chr14-45151502-A-G. GRCh37 (hg19) VCF-style: chr14-45620705-A-G.
Other names: c.946A>G, p.Arg316Gly (NM_001308133.2); c.1024A>G, p.Arg342Gly (NM_001308134.2); short protein forms R316G, R342G.
Identifiers: ClinVar variation 4254643 (VCV004254643.1).